The following is an entry in ClinVar:

ClinVar aggregate classification (germline): Uncertain significance (1 of 4 stars; one submission).

Conditions:
Mendelian susceptibility to mycobacterial diseases due to complete IL12B deficiency. Also called: IL12B DEFICIENCY; Immunodeficiency 29. Identifiers: Orphanet 319558, MedGen C4013948, MONDO:0013954, OMIM 614890.

Allele frequency attached by ClinVar (database versions not stated): gnomAD exomes below 0.00001; TOPMed below 0.00001; ExAC 0.00001.
gnomAD v4.1: 1 of 1,614,168 alleles (0.000062%); highest among the groups gnomAD compares: African/African-American, 0.0013%; no homozygotes.

Submission:

Labcorp Genetics (formerly Invitae), Labcorp
Classification: Uncertain significance for Mendelian susceptibility to mycobacterial diseases due to complete IL12B deficiency. Last evaluated: 2024-10-16. Review status: criteria provided, single submitter. Criteria: Invitae Variant Classification Sherloc (09022015). Collection method: clinical testing. Allele origin: germline.
Comment: This sequence change replaces serine, which is neutral and polar, with asparagine, which is neutral and polar, at codon 305 of the IL12B protein (p.Ser305Asn). This variant is present in population databases (rs776601045, gnomAD 0.007%). This variant has not been reported in the literature in individuals affected with IL12B-related conditions. ClinVar contains an entry for this variant (Variation ID: 1943770). Invitae Evidence Modeling of protein sequence and biophysical properties (such as structural, functional, and spatial information, amino acid conservation, physicochemical variation, residue mobility, and thermodynamic stability) indicates that this missense variant is not expected to disrupt IL12B protein function with a negative predictive value of 80%. In summary, the available evidence is currently insufficient to determine the role of this variant in disease. Therefore, it has been classified as a Variant of Uncertain Significance.

NM_002187.3(IL12B):c.914G>A (p.Ser305Asn)

Gene: IL12B (interleukin 12B; minus strand). Cytogenetic location: 5q33.3.
Variant type: single nucleotide variant.
Coding change: c.914G>A on transcript NM_002187.3 (MANE Select); coding-DNA position 914, G replaced by A.
Protein change: p.Ser305Asn; replaces serine 305 with asparagine.
Molecular consequence: missense variant.
Genome position (GRCh38, 1-based): chr5:159,316,758, C>T on the plus strand (G>A on the coding strand, the complement: IL12B is on the minus strand). VCF-style: chr5-159316758-C-T. GRCh37 (hg19) VCF-style: chr5-158743766-C-T.
Other names: short protein forms S305N.
Identifiers: ClinVar variation 1943770 (VCV001943770.5), dbSNP rs776601045, ClinGen allele CA3538668.